The following is an entry in ClinVar:

NM_002025.4(AFF2):c.2056C>T (p.Pro686Ser)

Gene: AFF2 (ALF transcription elongation factor 2; plus strand). Cytogenetic location: Xq28.
Variant type: single nucleotide variant.
Coding change: c.2056C>T on transcript NM_002025.4 (MANE Select); coding-DNA position 2056, C replaced by T.
Protein change: p.Pro686Ser; replaces proline 686 with serine.
Molecular consequence: missense variant.
Genome position (GRCh38, 1-based): chrX:148,956,101, C>T. VCF-style: chrX-148956101-C-T. GRCh37 (hg19) VCF-style: chrX-148037631-C-T.
Other names: c.1957C>T, p.Pro653Ser (NM_001169122.2); c.2026C>T, p.Pro676Ser (NM_001169123.2); c.1951C>T, p.Pro651Ser (NM_001169124.2); c.1939C>T, p.Pro647Ser (NM_001169125.2); c.979C>T, p.Pro327Ser (NM_001170628.1); short protein forms P327S, P647S, P651S, P653S, P676S, P686S.
Identifiers: ClinVar variation 1304877 (VCV001304877.2), dbSNP rs868995963, ClinGen allele CA414514141.

ClinVar aggregate classification (germline): Uncertain significance (1 of 4 stars; one submission).

Submission:

GeneDx
Classification: Uncertain significance. Last evaluated: 2019-04-25. Review status: criteria provided, single submitter. Criteria: GeneDx Variant Classification Process June 2021. Collection method: clinical testing. Allele origin: germline. Affected: yes.
Comment: Not observed in large population cohorts (Lek et al., 2016); In silico analysis, which includes protein predictors and evolutionary conservation, supports a deleterious effect; Has not been previously published as pathogenic or benign to our knowledge